The following is an entry in ClinVar:

NM_001349338.3(FOXP1):c.730A>C (p.Thr244Pro)

Gene: FOXP1 (forkhead box P1; minus strand). Cytogenetic location: 3p13.
Variant type: single nucleotide variant.
Coding change: c.730A>C on transcript NM_001349338.3 (MANE Select); coding-DNA position 730, A replaced by C.
Protein change: p.Thr244Pro; replaces threonine 244 with proline.
Molecular consequence: missense variant. On other transcripts: non-coding transcript variant (2).
Genome position (GRCh38, 1-based): chr3:71,041,467, T>G on the plus strand (A>C on the coding strand, the complement: FOXP1 is on the minus strand). VCF-style: chr3-71041467-T-G. GRCh37 (hg19) VCF-style: chr3-71090618-T-G.
Other names: c.730A>C, p.Thr244Pro (NM_001244808.3, NM_001244810.2, NM_001244814.3 and 4 more transcripts); c.502A>C, p.Thr168Pro (NM_001244812.3); c.430A>C, p.Thr144Pro (NM_001244813.3, NM_001244815.2, NM_001349342.3 and 1 more transcripts); c.427A>C, p.Thr143Pro (NM_001349337.2, NM_001349343.3, NM_001349344.3); c.727A>C, p.Thr243Pro (NM_001349341.3); c.730A>C (NM_032682.5); short protein forms T243P, T168P, T143P, T244P, T144P.
Identifiers: ClinVar variation 1959848 (VCV001959848.6), dbSNP rs2545771694, ClinGen allele CA353562844.
Genomic context (GRCh38, chr3:71,041,467, plus strand): 5'-GTGCAGAGGAGGAGACACATGTCGTGGTCAGATCCAAACTGCTGTGATTGTTGCCTGTGG[T>G]TTCTTCTGCAGTATGAGCACTTGTCACTTCTTTCCAGAGCTGCTGCAGTTCTGTTGGAAT-3'
Protein context (NP_001336267.1, residues 234-254): EVTSAHTAEE[Thr244Pro]TGNNHSSLDL

ClinVar aggregate classification (germline): Uncertain significance. Review status: criteria provided, multiple submitters, no conflicts (2 of 4 stars). 2 submissions from 2 submitters: Uncertain significance (2). Last evaluated 2026-01-05.

Conditions:
Inborn genetic diseases. Identifiers: MedGen C0950123, MeSH D030342.

Allele frequency attached by ClinVar (database versions not stated): gnomAD exomes 0.00001.
gnomAD v4.1: 5 of 1,613,850 alleles (0.00031%); highest among the groups gnomAD compares: Non-Finnish European, 0.00042%; no homozygotes.

Submissions (2):

Labcorp Genetics (formerly Invitae), Labcorp
Classification: Uncertain significance. Last evaluated: 2026-01-05. Review status: criteria provided, single submitter. Criteria: Invitae Variant Classification Sherloc (09022015). Collection method: clinical testing. Allele origin: germline.
Comment: This sequence change replaces threonine, which is neutral and polar, with proline, which is neutral and non-polar, at codon 244 of the FOXP1 protein (p.Thr244Pro). This variant is not present in population databases (gnomAD no frequency). This variant has not been reported in the literature in individuals affected with FOXP1-related conditions. ClinVar contains an entry for this variant (Variation ID: 1959848). Invitae Evidence Modeling of protein sequence and biophysical properties (such as structural, functional, and spatial information, amino acid conservation, physicochemical variation, residue mobility, and thermodynamic stability) indicates that this missense variant is not expected to disrupt FOXP1 protein function with a negative predictive value of 80%. In summary, the available evidence is currently insufficient to determine the role of this variant in disease. Therefore, it has been classified as a Variant of Uncertain Significance.

Ambry Genetics
Classification: Uncertain significance for Inborn genetic diseases. Last evaluated: 2025-08-07. Review status: criteria provided, single submitter. Criteria: Ambry Variant Classification Scheme 2023. Collection method: clinical testing. Allele origin: germline.